The following is an entry in ClinVar:

NM_001386298.1(CIC):c.2834C>G (p.Pro945Arg)

Gene: CIC (capicua transcriptional repressor; plus strand). Cytogenetic location: 19q13.2.
Variant type: single nucleotide variant.
Coding change: c.2834C>G on transcript NM_001386298.1 (MANE Select); coding-DNA position 2834, C replaced by G.
Protein change: p.Pro945Arg; replaces proline 945 with arginine.
Molecular consequence: missense variant.
Genome position (GRCh38, 1-based): chr19:42,286,810, C>G. VCF-style: chr19-42286810-C-G. GRCh37 (hg19) VCF-style: chr19-42790962-C-G.
Other names: c.2834C>G, p.Pro945Arg (NM_001304815.2, NM_001379480.1, NM_001379482.1 and 1 more transcripts); c.107C>G, p.Pro36Arg (NM_001379484.1, NM_001379485.1, NM_015125.5); short protein forms P36R, P945R.
Identifiers: ClinVar variation 4846999 (VCV004846999.1).

ClinVar aggregate classification (germline): Uncertain significance (1 of 4 stars; one submission).

Conditions:
Intellectual developmental disorder, autosomal dominant 45. Also called: MENTAL RETARDATION, AUTOSOMAL DOMINANT 45; Intellectual disability, autosomal dominant 45. Identifiers: MedGen C4539848, MONDO:0030910, OMIM 617600.

Submission:

Laboratorio de Genetica e Diagnostico Molecular, Hospital Israelita Albert Einstein
Classification: Uncertain significance for Intellectual developmental disorder, autosomal dominant 45. Last evaluated: 2022-11-24. Review status: criteria provided, single submitter. Criteria: ACMG Guidelines, 2015. Collection method: clinical testing. Allele origin: germline. Affected: yes.
Comment: ACMG classification criteria: PM2 moderate, BP4 supporting